The following is an entry in ClinVar:

NM_018718.3(CEP41):c.575-12T>C

Gene: CEP41 (centrosomal protein 41; minus strand). Cytogenetic location: 7q32.2.
Variant type: single nucleotide variant.
Coding change: c.575-12T>C on transcript NM_018718.3 (MANE Select); 12 bases into the intron before coding-DNA position 575, T replaced by C.
Molecular consequence: intron variant.
Genome position (GRCh38, 1-based): chr7:130,401,960, A>G on the plus strand (T>C on the coding strand, the complement: CEP41 is on the minus strand). VCF-style: chr7-130401960-A-G. GRCh37 (hg19) VCF-style: chr7-130041801-A-G.
Other names: c.527-12T>C (NM_001257159.2); c.575-12T>C (NM_001257158.2).
Identifiers: ClinVar variation 507369 (VCV000507369.10), dbSNP rs186638258, ClinGen allele CA4485531.
Genomic context (GRCh38, chr7:130,401,960, plus strand): 5'-GAATAAGGGTTCATTGTTCTAGACAGAGTTGCAATTGGGTAACTGTAAGCTGCAAAGAGA[A>G]GAAAAAGTTTAGGAAGTCTGTTGTTCTCTTAATACAACTTGGCCTCAATTCCCAGCTGGT-3'

ClinVar aggregate classification (germline): Benign/Likely benign. Review status: criteria provided, multiple submitters, no conflicts (2 of 4 stars). 2 submissions from 2 submitters: Benign (1); Likely benign (1). Last evaluated 2026-02-01.

Conditions:
Joubert syndrome 15 (JBTS15). Identifiers: Orphanet 475, MedGen C3280897, MONDO:0013763, OMIM 614464.

Allele frequency attached by ClinVar (database versions not stated): ExAC 0.00009; 1000 Genomes Project 0.00040; 1000 Genomes Project 30x 0.00062; gnomAD exomes 0.00067; TOPMed 0.00141; gnomAD 0.00175 and 0.00185.
gnomAD v4.1: 470 of 1,598,562 alleles (0.029%); highest among the groups gnomAD compares: Admixed American, 0.77%; 13 homozygotes.

Submissions (2):

Labcorp Genetics (formerly Invitae), Labcorp
Classification: Benign for Joubert syndrome 15. Last evaluated: 2026-02-01. Review status: criteria provided, single submitter. Criteria: Invitae Variant Classification Sherloc (09022015). Collection method: clinical testing. Allele origin: germline.

GeneDx
Classification: Likely benign. Last evaluated: 2018-01-23. Review status: criteria provided, single submitter. Criteria: GeneDx Variant Classification (06012015). Collection method: clinical testing. Allele origin: germline. Affected: yes.
Comment: This variant is considered likely benign or benign based on one or more of the following criteria: it is a conservative change, it occurs at a poorly conserved position in the protein, it is predicted to be benign by multiple in silico algorithms, and/or has population frequency not consistent with disease.